The following is an entry in ClinVar:

NM_001374828.1(ARID1B):c.1623G>T (p.Ala541=)

Gene: ARID1B (AT-rich interaction domain 1B; plus strand). Cytogenetic location: 6q25.3.
Variant type: single nucleotide variant.
Coding change: c.1623G>T on transcript NM_001374828.1 (MANE Select); coding-DNA position 1623, G replaced by T.
Protein change: p.Ala541=; no amino-acid change (alanine 541 retained).
Molecular consequence: synonymous variant.
Genome position (GRCh38, 1-based): chr6:156,779,303, G>T. VCF-style: chr6-156779303-G-T. GRCh37 (hg19) VCF-style: chr6-157100437-G-T.
Other names: c.1374G>T, p.Ala458= (NM_001346813.1, NM_020732.3); c.1623G>T, p.Ala541= (NM_001371656.1, NM_001374820.1, NM_017519.3); c.1200G>T, p.Ala400= (NM_175863.2).
Identifiers: ClinVar variation 3037469 (VCV003037469.2), dbSNP rs2115001808, ClinGen allele CA452989712.
Genomic context (GRCh38, chr6:156,779,303, plus strand): 5'-CGAGTACAGCAGCCCCAGCGCGCCGCCGCCGCCGCCGTCGCAGCCCCAGTCCCAGGCGGC[G>T]GCGGCGGGGGCGGCGGCGGGCGGCCAGCAGGCGGCCGCGGGCATGGGCTTGGGCAAGGAC-3'
Protein context (NP_001361757.1, residues 531-551): PPPSQPQSQA[Ala541=]AAGAAAGGQQ

ClinVar aggregate classification (germline): Likely benign (0 of 4 stars; one submission).

Conditions:
ARID1B-Related Disorder. Identifiers: MedGen CN381337.

Submission:

PreventionGenetics, part of Exact Sciences
Classification: Likely benign for ARID1B-related condition. Last evaluated: 2019-05-15. Review status: no assertion criteria provided. Collection method: clinical testing. Allele origin: germline.
Comment: This variant is classified as likely benign based on ACMG/AMP sequence variant interpretation guidelines (Richards et al. 2015 PMID: 25741868, with internal and published modifications).